The following is an entry in ClinVar:

NM_001204.7(BMPR2):c.2975C>G (p.Ser992Cys)

Gene: BMPR2 (bone morphogenetic protein receptor type 2; plus strand). Cytogenetic location: 2q33.2.
Variant type: single nucleotide variant.
Coding change: c.2975C>G on transcript NM_001204.7 (MANE Select); coding-DNA position 2975, C replaced by G.
Protein change: p.Ser992Cys; replaces serine 992 with cysteine.
Molecular consequence: missense variant.
Genome position (GRCh38, 1-based): chr2:202,559,804, C>G. VCF-style: chr2-202559804-C-G. GRCh37 (hg19) VCF-style: chr2-203424527-C-G.
Other names: short protein forms S992C.
Identifiers: ClinVar variation 4597795 (VCV004597795.1).

ClinVar aggregate classification (germline): Uncertain significance (1 of 4 stars; one submission).

Conditions:
Inborn genetic diseases. Identifiers: MedGen C0950123, MeSH D030342.

gnomAD v4.1: 1 of 1,614,162 alleles (0.000062%); highest among the groups gnomAD compares: Non-Finnish European, 0.000085%; no homozygotes.

Submission:

Ambry Genetics
Classification: Uncertain significance for Inborn genetic diseases. Last evaluated: 2025-11-17. Review status: criteria provided, single submitter. Criteria: Ambry Variant Classification Scheme 2023. Collection method: clinical testing. Allele origin: germline.
Comment: The p.S992C variant (also known as c.2975C>G), located in coding exon 13 of the BMPR2 gene, results from a C to G substitution at nucleotide position 2975. The serine at codon 992 is replaced by cysteine, an amino acid with dissimilar properties. This amino acid position is conserved. In addition, the in silico prediction for this alteration is inconclusive. Based on the available evidence, the clinical significance of this variant remains unclear.